The following is an entry in ClinVar:

NM_000384.3(APOB):c.11712del (p.Asn3904fs)

Gene: APOB (apolipoprotein B; minus strand). Cytogenetic location: 2p24.1.
Variant type: Deletion.
Coding change: c.11712del on transcript NM_000384.3 (MANE Select); coding-DNA position 11712, one base deleted (C; older notation c.11712delC).
Protein change: p.Asn3904fs; shifts the reading frame from asparagine 3904.
Molecular consequence: frameshift variant.
Genome position (GRCh38, 1-based): chr2:21,005,156, G deleted on the plus strand (C on the coding strand, the reverse complement: APOB is on the minus strand). VCF-style (leftmost placement, unchanged base first): chr2-21005155-TG-T. GRCh37 (hg19) VCF-style: chr2-21228027-TG-T.
Other names: short protein forms N3904fs.
Identifiers: ClinVar variation 17896 (VCV000017896.11), dbSNP rs587776852, ClinGen allele CA022765.

ClinVar aggregate classification (germline): Pathogenic. Review status: criteria provided, single submitter (1 of 4 stars). 2 submissions from 2 submitters: Pathogenic (1). 1 of the submissions does not count toward it. Last evaluated 2022-08-12.

Conditions:
Hypercholesterolemia, autosomal dominant, type B (FHCL2). Also called: Familial Hypercholesterolemia Type B; Hyperlipoproteinemia Type IIb; Familial hypercholesterolemia 2; APOB-Related Familial Hypercholesterolemia, Autosomal Dominant; APOLIPOPROTEIN B-100, FAMILIAL DEFECTIVE; APOLIPOPROTEIN B-100, FAMILIAL LIGAND-DEFECTIVE. Identifiers: MedGen C1704417, MONDO:0007751, OMIM 144010.
Familial hypobetalipoproteinemia 1. Also called: APOB-Related Familial Hypobetalipoproteinemia; Hypobetalipoproteinemia, normotriglyceridemic; Acanthocytosis with hypobetalipoproteinemia. Identifiers: MedGen C4551990, MONDO:0014252, OMIM 615558.
Familial hypobetalipoproteinemia (FHBL). Also called: Hypobetalipoproteinemia, familial, associated with apob39; Hypobetalipoproteinemia, familial, associated with apob40; Hypobetalipoproteinemia, familial, associated with apob90 or apob89; Hypobetalipoproteinemia, familial, associated with apob46; Hypobetalipoproteinemia, familial, associated with apob87; Hypobetalipoproteinemia, familial, associated with apob31. Identifiers: MedGen C1862596.

Allele frequency attached by ClinVar (database versions not stated): gnomAD exomes below 0.00001 and 0.00001; gnomAD 0.00001; TOPMed 0.00001.

Submissions (2):

Labcorp Genetics (formerly Invitae), Labcorp
Classification: Pathogenic for Familial hypobetalipoproteinemia 1; Hypercholesterolemia, autosomal dominant, type B. Last evaluated: 2022-08-12. Review status: criteria provided, single submitter. Criteria: Invitae Variant Classification Sherloc (09022015). Collection method: clinical testing. Allele origin: germline.
Comment: For these reasons, this variant has been classified as Pathogenic. ClinVar contains an entry for this variant (Variation ID: 17896). This variant is also known as apoB86 and c.11840delC. This premature translational stop signal has been observed in individual(s) with hypobetalipoproteinemia (PMID: 1454832, 15805152). This variant is present in population databases (rs587776852, gnomAD 0.002%). This sequence change creates a premature translational stop signal (p.Asn3904Lysfs*21) in the APOB gene. It is expected to result in an absent or disrupted protein product. Loss-of-function variants in APOB are known to be pathogenic (PMID: 20032471).

OMIM
Classification: Pathogenic for HYPOBETALIPOPROTEINEMIA, FAMILIAL. Last evaluated: 1992-12-01. Review status: no assertion criteria provided. Collection method: literature only. Allele origin: germline. Not counted in ClinVar's aggregate classification.

Literature cited by the submitters: PubMed 1454832 (cited by Labcorp Genetics (formerly Invitae), Labcorp and OMIM); PubMed 15805152 (cited by Labcorp Genetics (formerly Invitae), Labcorp); PubMed 20032471 (cited by Labcorp Genetics (formerly Invitae), Labcorp); PubMed 221546 (cited by OMIM).